The following is an entry in ClinVar:

NM_024685.4(BBS10):c.763A>G (p.Met255Val)

Gene: BBS10 (Bardet-Biedl syndrome 10; minus strand). Cytogenetic location: 12q21.2.
Variant type: single nucleotide variant.
Coding change: c.763A>G on transcript NM_024685.4 (MANE Select); coding-DNA position 763, A replaced by G.
Protein change: p.Met255Val; replaces methionine 255 with valine.
Molecular consequence: missense variant.
Genome position (GRCh38, 1-based): chr12:76,347,222, T>C on the plus strand (A>G on the coding strand, the complement: BBS10 is on the minus strand). VCF-style: chr12-76347222-T-C. GRCh37 (hg19) VCF-style: chr12-76741002-T-C.
Other names: short protein forms M255V.
Identifiers: ClinVar variation 962800 (VCV000962800.9), dbSNP rs772739860, ClinGen allele CA6694291.

ClinVar aggregate classification (germline): Uncertain significance (1 of 4 stars; one submission).

Conditions:
Bardet-Biedl syndrome (BBS). Identifiers: Orphanet 110, MedGen C0752166, MONDO:0015229.

Allele frequency attached by ClinVar (database versions not stated): gnomAD exomes below 0.00001 and 0.00001; ExAC 0.00001; gnomAD 0.00001.

Submission:

Labcorp Genetics (formerly Invitae), Labcorp
Classification: Uncertain significance for Bardet-Biedl syndrome. Last evaluated: 2020-07-30. Review status: criteria provided, single submitter. Criteria: Invitae Variant Classification Sherloc (09022015). Collection method: clinical testing. Allele origin: germline.
Comment: This variant has not been reported in the literature in individuals with BBS10-related conditions. This variant is present in population databases (rs772739860, ExAC 0.006%). This sequence change replaces methionine with valine at codon 255 of the BBS10 protein (p.Met255Val). The methionine residue is weakly conserved and there is a small physicochemical difference between methionine and valine. Algorithms developed to predict the effect of missense changes on protein structure and function output the following: SIFT: "Tolerated"; PolyPhen-2: "Benign"; Align-GVGD: "Class C0". The valine amino acid residue is found in multiple mammalian species, suggesting that this missense change does not adversely affect protein function. These predictions have not been confirmed by published functional studies and their clinical significance is uncertain. In summary, the available evidence is currently insufficient to determine the role of this variant in disease. Therefore, it has been classified as a Variant of Uncertain Significance. Algorithms developed to predict the effect of sequence changes on RNA splicing suggest that this variant may create or strengthen a splice site, but this prediction has not been confirmed by published transcriptional studies.